The following is an entry in ClinVar:

ClinVar aggregate classification (germline): Uncertain significance. Review status: criteria provided, multiple submitters, no conflicts (2 of 4 stars). 2 submissions from 2 submitters: Uncertain significance (2). Last evaluated 2024-02-28.

Conditions:
Retinoblastoma (RB1). Also called: RETINOBLASTOMA, SOMATIC. Identifiers: Orphanet 790, MedGen C0035335, MeSH D012175, MONDO:0008380, OMIM 180200, HP:0009919. Disease mechanism: loss of function. Inheritance: Both sporadic and heritable forms are tested..
Hereditary cancer-predisposing syndrome. Also called: Tumor predisposition; Hereditary Cancer Syndrome; Hereditary neoplastic syndrome; Neoplastic Syndromes, Hereditary. Identifiers: Orphanet 140162, MedGen C0027672, MeSH D009386, MONDO:0015356.

gnomAD v4.1: 1 of 1,459,478 alleles (0.000069%); highest among the groups gnomAD compares: Non-Finnish European, 0.00009%; no homozygotes.

Submissions (2):

Ambry Genetics
Classification: Uncertain significance for Hereditary cancer-predisposing syndrome. Last evaluated: 2024-02-28. Review status: criteria provided, single submitter. Criteria: Ambry Variant Classification Scheme 2023. Collection method: clinical testing. Allele origin: germline.
Comment: The p.D41Y variant (also known as c.121G>T), located in coding exon 1 of the RB1 gene, results from a G to T substitution at nucleotide position 121. The aspartic acid at codon 41 is replaced by tyrosine, an amino acid with highly dissimilar properties. This amino acid position is not well conserved in available vertebrate species. In addition, the in silico prediction for this alteration is inconclusive. Since supporting evidence is limited at this time, the clinical significance of this alteration remains unclear.

Labcorp Genetics (formerly Invitae), Labcorp
Classification: Uncertain significance for Retinoblastoma. Last evaluated: 2022-01-26. Review status: criteria provided, single submitter. Criteria: Invitae Variant Classification Sherloc (09022015). Collection method: clinical testing. Allele origin: germline.
Comment: Algorithms developed to predict the effect of missense changes on protein structure and function are either unavailable or do not agree on the potential impact of this missense change (SIFT: "Deleterious"; PolyPhen-2: "Benign"; Align-GVGD: "Class C0"). In summary, the available evidence is currently insufficient to determine the role of this variant in disease. Therefore, it has been classified as a Variant of Uncertain Significance. This variant has not been reported in the literature in individuals affected with RB1-related conditions. This variant is not present in population databases (gnomAD no frequency). This sequence change replaces aspartic acid, which is acidic and polar, with tyrosine, which is neutral and polar, at codon 41 of the RB1 protein (p.Asp41Tyr).

NM_000321.3(RB1):c.121G>T (p.Asp41Tyr)

Gene: RB1 (RB transcriptional corepressor 1; plus strand). Cytogenetic location: 13q14.2.
Variant type: single nucleotide variant.
Coding change: c.121G>T on transcript NM_000321.3 (MANE Select); coding-DNA position 121, G replaced by T.
Protein change: p.Asp41Tyr; replaces aspartic acid 41 with tyrosine.
Molecular consequence: missense variant.
Genome position (GRCh38, 1-based): chr13:48,304,033, G>T. VCF-style: chr13-48304033-G-T. GRCh37 (hg19) VCF-style: chr13-48878169-G-T.
Other names: short protein forms D41Y.
Identifiers: ClinVar variation 1446094 (VCV001446094.11), dbSNP rs775161380, ClinGen allele CA027989.
Genomic context (GRCh38, chr13:48,304,033, plus strand): 5'-CCGGCACCGCCGCCGCCGCCCCCTCCTGAGGAGGACCCAGAGCAGGACAGCGGCCCGGAG[G>T]ACCTGCCTCTCGTCAGGTGAGCGAGCAGAGCCGCCGTCGCCTCACGCGGGAAGGGCGCCC-3'
Protein context (NP_000312.2, residues 31-51): EDPEQDSGPE[Asp41Tyr]LPLVRLEFEE